The following is an entry in ClinVar:

NM_001198800.3(ASCC1):c.958-5426C>G

Gene: ASCC1 (activating signal cointegrator 1 complex subunit 1; minus strand). Cytogenetic location: 10q22.1.
Variant type: single nucleotide variant.
Coding change: c.958-5426C>G on transcript NM_001198800.3 (MANE Select); 5426 bases into the intron before coding-DNA position 958, C replaced by G.
Molecular consequence: intron variant. On other transcripts: nonsense (14).
Genome position (GRCh38, 1-based): chr10:72,102,876, G>C on the plus strand (C>G on the coding strand, the complement: ASCC1 is on the minus strand). VCF-style: chr10-72102876-G-C. GRCh37 (hg19) VCF-style: chr10-73862634-G-C.
Other names: c.1133C>G, p.Ser378Ter (NM_001198799.3); c.1115C>G, p.Ser372Ter (NM_001369085.1, NM_001369086.1); c.1049C>G, p.Ser350Ter (NM_001369087.1, NM_001369088.1, NM_001369089.1 and 3 more transcripts); c.929C>G, p.Ser310Ter (NM_001369100.1, NM_001369103.1, NM_001369104.1); c.932C>G, p.Ser311Ter (NM_001369101.1, NM_001369102.1); c.904-5426C>G (NM_001369099.1); c.752-5426C>G (NM_001369112.1); c.838-5426C>G (NM_001369108.1, NM_001369109.1); and 4 more; short protein forms S372*, S311*, S378*, S310*, S350*.
Identifiers: ClinVar variation 2124744 (VCV002124744.4), dbSNP rs1233016139, ClinGen allele CA377157806.

ClinVar aggregate classification (germline): Pathogenic (1 of 4 stars; one submission).

Submission:

Labcorp Genetics (formerly Invitae), Labcorp
Classification: Pathogenic. Last evaluated: 2022-04-11. Review status: criteria provided, single submitter. Criteria: Invitae Variant Classification Sherloc (09022015). Collection method: clinical testing. Allele origin: germline.
Comment: For these reasons, this variant has been classified as Pathogenic. This variant is also known as c.932C>G (p.Ser311*). This premature translational stop signal has been observed in individual(s) with clinical features of ASCC1-related conditions (PMID: 33931933). This variant is not present in population databases (gnomAD no frequency). This sequence change creates a premature translational stop signal (p.Ser378*) in the ASCC1 gene. It is expected to result in an absent or disrupted protein product. Loss-of-function variants in ASCC1 are known to be pathogenic (PMID: 30327447). The ASCC1 gene has multiple clinically relevant transcripts. This variant occurs in alternate transcript NM_001198799.2, and corresponds to NM_001198800.2:c.958-5426C>G in the primary transcript.

Literature cited by the submitters: PubMed 33931933; PubMed 30327447.